The following is an entry in ClinVar:

ClinVar aggregate classification (germline): Uncertain significance (1 of 4 stars; one submission).

Conditions:
Catecholaminergic polymorphic ventricular tachycardia 1. Also called: VENTRICULAR TACHYCARDIA, CATECHOLAMINERGIC POLYMORPHIC, 1, WITH OR WITHOUT ATRIAL DYSFUNCTION AND/OR DILATED CARDIOMYOPATHY; RYR2-Related Catecholaminergic Polymorphic Ventricular Tachycardia; VENTRICULAR TACHYCARDIA, STRESS-INDUCED POLYMORPHIC 1. Identifiers: Orphanet 3286, MedGen C1631597, MONDO:0011484, OMIM 604772.

gnomAD v4.1: 1 of 1,610,114 alleles (0.000062%); highest among the groups gnomAD compares: African/African-American, 0.0013%; no homozygotes.

Submission:

Labcorp Genetics (formerly Invitae), Labcorp
Classification: Uncertain significance for Catecholaminergic polymorphic ventricular tachycardia 1. Last evaluated: 2025-10-06. Review status: criteria provided, single submitter. Criteria: Invitae Variant Classification Sherloc (09022015). Collection method: clinical testing. Allele origin: germline.
Comment: This sequence change replaces proline, which is neutral and non-polar, with serine, which is neutral and polar, at codon 906 of the RYR2 protein (p.Pro906Ser). This variant is not present in population databases (gnomAD no frequency). This variant has not been reported in the literature in individuals affected with RYR2-related conditions. An algorithm developed to predict the effect of missense changes on protein structure and function (PolyPhen-2) suggests that this variant is likely to be tolerated. In summary, the available evidence is currently insufficient to determine the role of this variant in disease. Therefore, it has been classified as a Variant of Uncertain Significance.

NM_001035.3(RYR2):c.2716C>T (p.Pro906Ser)

Gene: RYR2 (ryanodine receptor 2; plus strand). Cytogenetic location: 1q43.
Variant type: single nucleotide variant.
Coding change: c.2716C>T on transcript NM_001035.3 (MANE Select); coding-DNA position 2716, C replaced by T.
Protein change: p.Pro906Ser; replaces proline 906 with serine.
Molecular consequence: missense variant.
Genome position (GRCh38, 1-based): chr1:237,506,812, C>T. VCF-style: chr1-237506812-C-T. GRCh37 (hg19) VCF-style: chr1-237670112-C-T.
Other names: short protein forms P906S.
Identifiers: ClinVar variation 4738931 (VCV004738931.1).
Genomic context (GRCh38, chr1:237,506,812, plus strand): 5'-GCAGAGAATATCCATGAACTCTGGGTTATGAATAAAATTGAGCTTGGCTGGCAGTATGGT[C>T]CGGTATGTAATTTTGAAATTTATTTTCAGATTCTGTGAATACATCTTTCTGAAAACATAA-3'
Protein context (NP_001026.2, residues 896-916): NKIELGWQYG[Pro906Ser]VRDDNKRQHP